The following is an entry in ClinVar:

NM_000718.4(CACNA1B):c.6559C>T (p.Arg2187Trp)

Gene: CACNA1B (calcium voltage-gated channel subunit alpha1 B; plus strand). Cytogenetic location: 9q34.3.
Variant type: single nucleotide variant.
Coding change: c.6559C>T on transcript NM_000718.4 (MANE Select); coding-DNA position 6559, C replaced by T.
Protein change: p.Arg2187Trp; replaces arginine 2187 with tryptophan.
Molecular consequence: missense variant. On other transcripts: intron variant (1).
Genome position (GRCh38, 1-based): chr9:138,121,538, C>T. VCF-style: chr9-138121538-C-T. GRCh37 (hg19) VCF-style: chr9-141015990-C-T.
Other names: c.6490-118C>T (NM_001243812.2); c.6559C>T (NM_000718.3); short protein forms R2187W.
Identifiers: ClinVar variation 1508752 (VCV001508752.4), dbSNP rs768398873, ClinGen allele CA5377761.

ClinVar aggregate classification (germline): Uncertain significance. Review status: criteria provided, multiple submitters, no conflicts (2 of 4 stars). 2 submissions from 2 submitters: Uncertain significance (2). Last evaluated 2022-07-27.

Allele frequency attached by ClinVar (database versions not stated): ExAC 0.00001; gnomAD exomes 0.00001.

Submissions (2):

Labcorp Genetics (formerly Invitae), Labcorp
Classification: Uncertain significance. Last evaluated: 2022-07-27. Review status: criteria provided, single submitter. Criteria: Invitae Variant Classification Sherloc (09022015). Collection method: clinical testing. Allele origin: germline.
Comment: This sequence change replaces arginine, which is basic and polar, with tryptophan, which is neutral and slightly polar, at codon 2187 of the CACNA1B protein (p.Arg2187Trp). This variant is present in population databases (rs768398873, gnomAD 0.007%). This variant has not been reported in the literature in individuals affected with CACNA1B-related conditions. ClinVar contains an entry for this variant (Variation ID: 1508752). Advanced modeling of protein sequence and biophysical properties (such as structural, functional, and spatial information, amino acid conservation, physicochemical variation, residue mobility, and thermodynamic stability) performed at Invitae indicates that this missense variant is expected to disrupt CACNA1B protein function. In summary, the available evidence is currently insufficient to determine the role of this variant in disease. Therefore, it has been classified as a Variant of Uncertain Significance.

Ambry Genetics
Classification: Uncertain significance. Last evaluated: 2021-08-03. Review status: criteria provided, single submitter. Criteria: Ambry Variant Classification Scheme 2023. Collection method: clinical testing. Allele origin: germline.